The following is an entry in ClinVar:

NM_003680.4(YARS1):c.685-16G>A

Genes: YARS1 (tyrosyl-tRNA synthetase 1; minus strand), LOC126805688 (BRD4-independent group 4 enhancer GRCh37_chr1:33251929-33253128; plus strand). Cytogenetic location: 1p35.1.
Variant type: single nucleotide variant.
Coding change: c.685-16G>A on transcript NM_003680.4 (MANE Select); 16 bases into the intron before coding-DNA position 685, G replaced by A.
Molecular consequence: intron variant.
Genome position (GRCh38, 1-based): chr1:32,787,091, C>T on the plus strand (G>A on the coding strand, the complement: YARS1 is on the minus strand). VCF-style: chr1-32787091-C-T. GRCh37 (hg19) VCF-style: chr1-33252692-C-T.
Identifiers: ClinVar variation 390159 (VCV000390159.9), dbSNP rs767084238, ClinGen allele CA745125.
Genomic context (GRCh38, chr1:32,787,091, plus strand): 5'-TTTCTTCACATCCTCCTTCCGATCAAGGAGATCAATCTTGGACTCCTAGAAGTCATAGAA[C>T]GGAAGAGGACCTCTTGTGGTTGAAAATGAGAATATGCTCAACTAATATAAGTTAAATTTT-3'

ClinVar aggregate classification (germline): Likely benign. Review status: criteria provided, multiple submitters, no conflicts (2 of 4 stars). 2 submissions from 2 submitters: Likely benign (2). Last evaluated 2024-10-03.

Conditions:
Charcot-Marie-Tooth disease dominant intermediate C (CMTDIC). Also called: CHARCOT-MARIE-TOOTH NEUROPATHY, DOMINANT INTERMEDIATE C. Identifiers: Orphanet 100045, MedGen C1842237, MONDO:0012012, OMIM 608323.

Allele frequency attached by ClinVar (database versions not stated): ExAC 0.00001; gnomAD 0.00001; gnomAD exomes 0.00001; TOPMed 0.00001.
gnomAD v4.1: 20 of 1,613,834 alleles (0.0012%); highest among the groups gnomAD compares: Non-Finnish European, 0.0012%; no homozygotes.

Submissions (2):

Labcorp Genetics (formerly Invitae), Labcorp
Classification: Likely benign for Charcot-Marie-Tooth disease dominant intermediate C. Last evaluated: 2024-10-03. Review status: criteria provided, single submitter. Criteria: Invitae Variant Classification Sherloc (09022015). Collection method: clinical testing. Allele origin: germline.

GeneDx
Classification: Likely benign. Last evaluated: 2016-10-20. Review status: criteria provided, single submitter. Criteria: GeneDx Variant Classification (06012015). Collection method: clinical testing. Allele origin: germline. Affected: yes.
Comment: This variant is considered likely benign or benign based on one or more of the following criteria: it is a conservative change, it occurs at a poorly conserved position in the protein, it is predicted to be benign by multiple in silico algorithms, and/or has population frequency not consistent with disease.